The following is an entry in ClinVar:

NM_001164665.2(KIAA1549):c.5276C>T (p.Pro1759Leu)

Gene: KIAA1549 (KIAA1549; minus strand). Cytogenetic location: 7q34.
Variant type: single nucleotide variant.
Coding change: c.5276C>T on transcript NM_001164665.2 (MANE Select); coding-DNA position 5276, C replaced by T.
Protein change: p.Pro1759Leu; replaces proline 1759 with leucine.
Molecular consequence: missense variant.
Genome position (GRCh38, 1-based): chr7:138,852,241, G>A on the plus strand (C>T on the coding strand, the complement: KIAA1549 is on the minus strand). VCF-style: chr7-138852241-G-A. GRCh37 (hg19) VCF-style: chr7-138536987-G-A.
Other names: c.5276C>T (NM_001164665.1); c.5276C>T, p.Pro1759Leu (NM_020910.3); short protein forms P1759L.
Identifiers: ClinVar variation 1015640 (VCV001015640.7), dbSNP rs756471211, ClinGen allele CA4505615.
Genomic context (GRCh38, chr7:138,852,241, plus strand): 5'-TATGTGAGAAAGTGATAATACATTTTGTTTTGAAAACCTTACCTTGGCAATGGACCCGTC[G>A]GGGGAGTCATTCCATAGTCTTCGTATCTCTGGAAGACATACAAAAGAACATGAAGATTAA-3'
Protein context (NP_001158137.1, residues 1749-1769): SRYEDYGMTP[Pro1759Leu]TGPLPRPGFG

ClinVar aggregate classification (germline): Uncertain significance. Review status: criteria provided, multiple submitters, no conflicts (2 of 4 stars). 3 submissions from 3 submitters: Uncertain significance (3). Last evaluated 2024-04-01.

Conditions:
Inborn genetic diseases. Identifiers: MedGen C0950123, MeSH D030342.

Allele frequency attached by ClinVar (database versions not stated): gnomAD 0.00001; TOPMed 0.00002; gnomAD exomes 0.00004 and 0.00005; ExAC 0.00006.
gnomAD v4.1: 60 of 1,609,872 alleles (0.0037%); highest among the groups gnomAD compares: Middle Eastern, 0.017%; no homozygotes.

Submissions (3):

Ambry Genetics
Classification: Uncertain significance for Inborn genetic diseases. Last evaluated: 2024-04-01. Review status: criteria provided, single submitter. Criteria: Ambry Variant Classification Scheme 2023. Collection method: clinical testing. Allele origin: germline.

Blueprint Genetics
Classification: Uncertain significance. Last evaluated: 2022-08-01. Review status: criteria provided, single submitter. Criteria: ACMG Guidelines, 2015. Collection method: clinical testing. Allele origin: germline.

Labcorp Genetics (formerly Invitae), Labcorp
Classification: Uncertain significance. Last evaluated: 2021-08-31. Review status: criteria provided, single submitter. Criteria: Invitae Variant Classification Sherloc (09022015). Collection method: clinical testing. Allele origin: germline.
Comment: This sequence change replaces proline with leucine at codon 1759 of the KIAA1549 protein (p.Pro1759Leu). The proline residue is highly conserved and there is a moderate physicochemical difference between proline and leucine. This variant is present in population databases (rs756471211, ExAC 0.01%). This variant has not been reported in the literature in individuals affected with KIAA1549-related conditions. Algorithms developed to predict the effect of missense changes on protein structure and function are either unavailable or do not agree on the potential impact of this missense change (SIFT: "Deleterious"; PolyPhen-2: "Possibly Damaging"; Align-GVGD: "Class C15"). In summary, the available evidence is currently insufficient to determine the role of this variant in disease. Therefore, it has been classified as a Variant of Uncertain Significance.